The following is an entry in ClinVar:

NM_001378778.1(MPDZ):c.5830-3C>T

Gene: MPDZ (multiple PDZ domain crumbs cell polarity complex component; minus strand). Cytogenetic location: 9p23.
Variant type: single nucleotide variant.
Coding change: c.5830-3C>T on transcript NM_001378778.1 (MANE Select); 3 bases into the intron before coding-DNA position 5830, C replaced by T.
Molecular consequence: intron variant.
Genome position (GRCh38, 1-based): chr9:13,110,067, G>A on the plus strand (C>T on the coding strand, the complement: MPDZ is on the minus strand). VCF-style: chr9-13110067-G-A. GRCh37 (hg19) VCF-style: chr9-13110066-G-A.
Other names: c.5533-3C>T (NM_001375425.1, NM_001375426.1); c.5620-3C>T (NM_001375420.1, NM_001375423.1, NM_001375424.1 and 2 more transcripts); c.5644-3C>T (NM_001375419.1, NM_001261407.2); c.5731-3C>T (NM_001375416.1, NM_001375418.1, NM_001261406.2 and 1 more transcripts); c.5830-3C>T (NM_001330637.2); c.5422-3C>T (NM_001375427.1); c.5743-3C>T (NM_003829.5); c.5929-3C>T (NM_001375413.1).
Identifiers: ClinVar variation 738425 (VCV000738425.10), dbSNP rs143773952, ClinGen allele CA4986071.
Genomic context (GRCh38, chr9:13,110,067, plus strand): 5'-AACTTGCAGGCTCCTGCTGATGACCTGTGACCACACTCACGTCTCCTCCAGCAACCACCT[G>A]CGCACAGGAGGAGGATAAACAGAAAAAACACATGTTCCTGTGGCTAGGGAAAGTAATTTT-3'

ClinVar aggregate classification (germline): Likely benign. Review status: criteria provided, multiple submitters, no conflicts (2 of 4 stars). 2 submissions from 2 submitters: Likely benign (2). Last evaluated 2025-12-24.

Conditions:
MPDZ-related disorder. Also called: MPDZ-related condition.

Allele frequency attached by ClinVar (database versions not stated): gnomAD exomes 0.00004 and 0.00014; ExAC 0.00023; gnomAD 0.00059 and 0.00063; 1000 Genomes Project 30x 0.00062; TOPMed 0.00068; 1000 Genomes Project 0.00080; ESP Exome Variant Server 0.00082.
gnomAD v4.1: 157 of 1,609,462 alleles (0.0098%); highest among the groups gnomAD compares: African/African-American, 0.17%; no homozygotes.

Submissions (2):

Labcorp Genetics (formerly Invitae), Labcorp
Classification: Likely benign. Last evaluated: 2025-12-24. Review status: criteria provided, single submitter. Criteria: Invitae Variant Classification Sherloc (09022015). Collection method: clinical testing. Allele origin: germline.

PreventionGenetics, part of Exact Sciences
Classification: Likely benign for MPDZ-related condition. Last evaluated: 2024-11-21. Review status: criteria provided, single submitter. Criteria: ACMG Guidelines, 2015. Collection method: clinical testing. Allele origin: germline.
Comment: This variant is classified as likely benign based on ACMG/AMP sequence variant interpretation guidelines (Richards et al. 2015 PMID: 25741868, with internal and published modifications).